The following is an entry in ClinVar:

NM_172364.5(CACNA2D4):c.332G>T (p.Ser111Ile)

Gene: CACNA2D4 (calcium voltage-gated channel auxiliary subunit alpha2delta 4; minus strand). Cytogenetic location: 12p13.33.
Variant type: single nucleotide variant.
Coding change: c.332G>T on transcript NM_172364.5 (MANE Select); coding-DNA position 332, G replaced by T.
Protein change: p.Ser111Ile; replaces serine 111 with isoleucine.
Molecular consequence: missense variant.
Genome position (GRCh38, 1-based): chr12:1,913,117, C>A on the plus strand (G>T on the coding strand, the complement: CACNA2D4 is on the minus strand). VCF-style: chr12-1913117-C-A. GRCh37 (hg19) VCF-style: chr12-2022283-C-A.
Other names: short protein forms S111I.
Identifiers: ClinVar variation 1928086 (VCV001928086.5), dbSNP rs1866875295, ClinGen allele CA383365048.

ClinVar aggregate classification (germline): Uncertain significance (1 of 4 stars; one submission).

Allele frequency attached by ClinVar (database versions not stated): gnomAD 0.00001.
gnomAD v4.1: 2 of 1,613,256 alleles (0.00012%); highest among the groups gnomAD compares: Admixed American, 0.0033%; no homozygotes.

Submission:

Labcorp Genetics (formerly Invitae), Labcorp
Classification: Uncertain significance. Last evaluated: 2022-09-27. Review status: criteria provided, single submitter. Criteria: Invitae Variant Classification Sherloc (09022015). Collection method: clinical testing. Allele origin: germline.
Comment: In summary, the available evidence is currently insufficient to determine the role of this variant in disease. Therefore, it has been classified as a Variant of Uncertain Significance. Algorithms developed to predict the effect of missense changes on protein structure and function (SIFT, PolyPhen-2, Align-GVGD) all suggest that this variant is likely to be tolerated. This variant has not been reported in the literature in individuals affected with CACNA2D4-related conditions. This variant is not present in population databases (gnomAD no frequency). This sequence change replaces serine, which is neutral and polar, with isoleucine, which is neutral and non-polar, at codon 111 of the CACNA2D4 protein (p.Ser111Ile).